The following is an entry in ClinVar:

ClinVar aggregate classification (germline): Uncertain significance (1 of 4 stars; one submission).

Conditions:
Hereditary cancer-predisposing syndrome. Also called: Tumor predisposition; Hereditary neoplastic syndrome; Hereditary Cancer Syndrome; Neoplastic Syndromes, Hereditary. Identifiers: Orphanet 140162, MedGen C0027672, MeSH D009386, MONDO:0015356.

Submission:

Ambry Genetics
Classification: Uncertain significance for Hereditary cancer-predisposing syndrome. Last evaluated: 2025-05-31. Review status: criteria provided, single submitter. Criteria: Ambry Variant Classification Scheme 2023. Collection method: clinical testing. Allele origin: germline.
Comment: The p.D714H variant (also known as c.2140G>C), located in coding exon 12 of the RET gene, results from a G to C substitution at nucleotide position 2140. The aspartic acid at codon 714 is replaced by histidine, an amino acid with similar properties. This amino acid position is conserved. In addition, this alteration is predicted to be deleterious by in silico analysis. Based on the available evidence, the clinical significance of this variant remains unclear.

NM_020975.6(RET):c.2140G>C (p.Asp714His)

Gene: RET (ret proto-oncogene; plus strand). Cytogenetic location: 10q11.21.
Variant type: single nucleotide variant.
Coding change: c.2140G>C on transcript NM_020975.6 (MANE Select); coding-DNA position 2140, G replaced by C.
Protein change: p.Asp714His; replaces aspartic acid 714 with histidine.
Molecular consequence: missense variant.
Genome position (GRCh38, 1-based): chr10:43,116,587, G>C. VCF-style: chr10-43116587-G-C. GRCh37 (hg19) VCF-style: chr10-43612035-G-C.
Other names: c.2005G>C, p.Asp669His (NM_001406765.1, NM_001406763.1); c.1852G>C, p.Asp618His (NM_001406766.1, NM_001406767.1, NM_001406770.1); c.1876G>C, p.Asp626His (NM_001406768.1); c.1744G>C, p.Asp582His (NM_001406769.1, NM_001406772.1); c.1702G>C, p.Asp568His (NM_001406771.1, NM_001406773.1); c.1615G>C, p.Asp539His (NM_001406774.1); c.1150G>C, p.Asp384His (NM_001406784.1); c.1123G>C, p.Asp375His (NM_001406785.1); and 10 more; short protein forms D279H, D372H, D384H, D539H, D582H, D618H, D714H, D370H.
Identifiers: ClinVar variation 3944714 (VCV003944714.1).